The following is an entry in ClinVar:

NM_001098.3(ACO2):c.232G>A (p.Ala78Thr)

Gene: ACO2 (aconitase 2; plus strand). Cytogenetic location: 22q13.2.
Variant type: single nucleotide variant.
Coding change: c.232G>A on transcript NM_001098.3 (MANE Select); coding-DNA position 232, G replaced by A.
Protein change: p.Ala78Thr; replaces alanine 78 with threonine.
Molecular consequence: missense variant.
Genome position (GRCh38, 1-based): chr22:41,507,849, G>A. VCF-style: chr22-41507849-G-A. GRCh37 (hg19) VCF-style: chr22-41903853-G-A.
Other names: short protein forms A78T.
Identifiers: ClinVar variation 1944437 (VCV001944437.5), dbSNP rs750705704, ClinGen allele CA10257317.

ClinVar aggregate classification (germline): Uncertain significance (1 of 4 stars; one submission).

Allele frequency attached by ClinVar (database versions not stated): gnomAD exomes below 0.00001; gnomAD 0.00001; ExAC 0.00002; TOPMed 0.00002.
gnomAD v4.1: 8 of 1,614,030 alleles (0.0005%); highest among the groups gnomAD compares: African/African-American, 0.0013%; no homozygotes.

Submission:

Labcorp Genetics (formerly Invitae), Labcorp
Classification: Uncertain significance. Last evaluated: 2025-09-14. Review status: criteria provided, single submitter. Criteria: Invitae Variant Classification Sherloc (09022015). Collection method: clinical testing. Allele origin: germline.
Comment: This sequence change replaces alanine, which is neutral and non-polar, with threonine, which is neutral and polar, at codon 78 of the ACO2 protein (p.Ala78Thr). This variant is present in population databases (rs750705704, gnomAD 0.007%). This variant has not been reported in the literature in individuals affected with ACO2-related conditions. ClinVar contains an entry for this variant (Variation ID: 1944437). Invitae Evidence Modeling of protein sequence and biophysical properties (such as structural, functional, and spatial information, amino acid conservation, physicochemical variation, residue mobility, and thermodynamic stability) indicates that this missense variant is not expected to disrupt ACO2 protein function with a negative predictive value of 95%. In summary, the available evidence is currently insufficient to determine the role of this variant in disease. Therefore, it has been classified as a Variant of Uncertain Significance.